The following is an entry in ClinVar:

NM_031308.4(EPPK1):c.7091G>A (p.Arg2364Gln)

Gene: EPPK1 (epiplakin 1; minus strand). Cytogenetic location: 8q24.3.
Variant type: single nucleotide variant.
Coding change: c.7091G>A on transcript NM_031308.4 (MANE Select); coding-DNA position 7091, G replaced by A.
Protein change: p.Arg2364Gln; replaces arginine 2364 with glutamine.
Molecular consequence: missense variant.
Genome position (GRCh38, 1-based): chr8:143,866,163, C>T on the plus strand (G>A on the coding strand, the complement: EPPK1 is on the minus strand). VCF-style: chr8-143866163-C-T.
Other names: short protein forms R2364Q.
Identifiers: ClinVar variation 3034991 (VCV003034991.1), dbSNP rs1819097910, ClinGen allele CA372480048.
Genomic context (GRCh38, chr8:143,866,163, plus strand): 5'-TTGGTGTCGTCGCTGGGGTCGGCCAGGACACGGTTCATCTCCTCGTCGAAGTAGCCGCGC[C>T]GGTAGGCCACGTCCACGGGCACGCGGTGGCTGTGCACGGGGTCGATGACGCCGCCCGTGG-3'
Protein context (NP_112598.3, residues 2354-2374): SHRVPVDVAY[Arg2364Gln]RGYFDEEMNR

ClinVar aggregate classification (germline): Benign (1 of 4 stars; one submission).

Conditions:
EPPK1-related disorder. Also called: EPPK1-related condition.

Allele frequency attached by ClinVar (database versions not stated): gnomAD exomes 0.00199; 1000 Genomes Project 30x 0.00874.

Submission:

PreventionGenetics, part of Exact Sciences
Classification: Benign for EPPK1-related condition. Last evaluated: 2021-04-15. Review status: criteria provided, single submitter. Criteria: ACMG Guidelines, 2015. Collection method: clinical testing. Allele origin: germline.
Comment: This variant is classified as benign based on ACMG/AMP sequence variant interpretation guidelines (Richards et al. 2015 PMID: 25741868, with internal and published modifications).